The following is an entry in ClinVar:

ClinVar aggregate classification (germline): Uncertain significance. Review status: criteria provided, multiple submitters, no conflicts (2 of 4 stars). 4 submissions from 4 submitters: Uncertain significance (4). Last evaluated 2026-03-10.

Conditions:
TTN-related disorder. Also called: TTN-related condition; TTN-related disease; TTN-related disorders.
Cardiovascular phenotype. Identifiers: MedGen CN230736.

Allele frequency attached by ClinVar (database versions not stated): ExAC 0.00002; gnomAD 0.00003; TOPMed 0.00003.
gnomAD v4.1: 14 of 1,612,146 alleles (0.00087%); highest among the groups gnomAD compares: Middle Eastern, 0.016%; no homozygotes.

Submissions (4):

PreventionGenetics, part of Exact Sciences
Classification: Uncertain significance for TTN-related condition. Last evaluated: 2026-03-10. Review status: criteria provided, single submitter. Criteria: ACMG Guidelines, 2015. Collection method: clinical testing. Allele origin: germline.
Comment: The TTN c.51943G>A variant is predicted to result in the amino acid substitution p.Val17315Ile. To our knowledge, this variant has not been reported in the literature. This variant is reported in 0.0083% of alleles in individuals of African descent in gnomAD. At this time, the clinical significance of this variant is uncertain due to the absence of conclusive functional and genetic evidence.

Revvity Omics, Revvity
Classification: Uncertain significance. Last evaluated: 2023-01-18. Review status: criteria provided, single submitter. Criteria: ACMG Guidelines, 2015. Collection method: clinical testing. Allele origin: germline.

Ambry Genetics
Classification: Uncertain significance for Cardiovascular phenotype. Last evaluated: 2019-10-08. Review status: criteria provided, single submitter. Criteria: Ambry Variant Classification Scheme 2023. Collection method: clinical testing. Allele origin: germline.
Comment: The p.V8250I variant (also known as c.24748G>A), located in coding exon 100 of the TTN gene, results from a G to A substitution at nucleotide position 24748. The valine at codon 8250 is replaced by isoleucine, an amino acid with highly similar properties. This amino acid position is poorly conserved in available vertebrate species. In addition, this alteration is predicted to be tolerated by in silico analysis. Since supporting evidence is limited at this time, the clinical significance of this alteration remains unclear.

GeneDx
Classification: Uncertain significance. Last evaluated: 2019-04-18. Review status: criteria provided, single submitter. Criteria: GeneDx Variant Classification Process June 2021. Collection method: clinical testing. Allele origin: germline. Affected: yes.
Comment: Missense variant in a gene in which most reported pathogenic variants are truncating/loss-of-function; Has not been previously published as pathogenic or benign to our knowledge

NM_001267550.2(TTN):c.51943G>A (p.Val17315Ile)

Genes: TTN-AS1 (TTN antisense RNA 1; plus strand), TTN (titin; minus strand). Cytogenetic location: 2q31.2.
Variant type: single nucleotide variant.
Coding change: c.51943G>A on transcript NM_001267550.2 (MANE Select); coding-DNA position 51943, G replaced by A.
Protein change: p.Val17315Ile; replaces valine 17315 with isoleucine.
Molecular consequence: missense variant.
Genome position (GRCh38, 1-based): chr2:178,609,367, C>T on the plus strand (G>A on the coding strand, the complement: TTN is on the minus strand). VCF-style: chr2-178609367-C-T. GRCh37 (hg19) VCF-style: chr2-179474094-C-T.
Other names: c.47020G>A, p.Val15674Ile (NM_001256850.1); c.24748G>A, p.Val8250Ile (NM_003319.4); c.44239G>A, p.Val14747Ile (NM_133378.4); c.25123G>A, p.Val8375Ile (NM_133432.3); c.25324G>A, p.Val8442Ile (NM_133437.4); short protein forms V14747I, V15674I, V17315I, V8250I, V8375I, V8442I.
Identifiers: ClinVar variation 1218758 (VCV001218758.9), dbSNP rs778099881, ClinGen allele CA1994090.